The following is an entry in ClinVar:

NM_001037132.4(NRCAM):c.2767C>T (p.His923Tyr)

Gene: NRCAM (neuronal cell adhesion molecule; minus strand). Cytogenetic location: 7q31.1.
Variant type: single nucleotide variant.
Coding change: c.2767C>T on transcript NM_001037132.4 (MANE Select); coding-DNA position 2767, C replaced by T.
Protein change: p.His923Tyr; replaces histidine 923 with tyrosine.
Molecular consequence: missense variant. On other transcripts: non-coding transcript variant (5).
Genome position (GRCh38, 1-based): chr7:108,180,307, G>A on the plus strand (C>T on the coding strand, the complement: NRCAM is on the minus strand). VCF-style: chr7-108180307-G-A. GRCh37 (hg19) VCF-style: chr7-107820751-G-A.
Other names: c.2767C>T, p.His923Tyr (NM_001193582.2, NM_001371123.1, NM_001371128.1 and 10 more transcripts); c.2710C>T, p.His904Tyr (NM_001193583.2, NM_001193584.2, NM_001371119.1 and 22 more transcripts); c.2422C>T, p.His808Tyr (NM_001371125.1, NM_001371147.1, NM_001371164.1 and 2 more transcripts); c.2719C>T, p.His907Tyr (NM_005010.5, NM_001371130.1, NM_001371133.1 and 8 more transcripts); c.2764C>T, p.His922Tyr (NM_001371127.1); c.2716C>T, p.His906Tyr (NM_001371134.1); c.2449C>T, p.His817Tyr (NM_001371148.1, NM_001371170.1, NM_001371179.1 and 1 more transcripts); c.2737C>T, p.His913Tyr (NM_001371150.1, NM_001371159.1, NM_001371174.1); and 3 more; short protein forms H817Y, H917Y, H923Y, H808Y, H888Y, H907Y, H913Y, H604Y.
Identifiers: ClinVar variation 4626448 (VCV004626448.1).

ClinVar aggregate classification (germline): Uncertain significance (1 of 4 stars; one submission).

Conditions:
Inborn genetic diseases. Identifiers: MedGen C0950123, MeSH D030342.

gnomAD v4.1: 3 of 1,614,072 alleles (0.00019%); highest among the groups gnomAD compares: African/African-American, 0.004%; no homozygotes.

Submission:

Ambry Genetics
Classification: Uncertain significance for Inborn genetic diseases. Last evaluated: 2025-12-09. Review status: criteria provided, single submitter. Criteria: Ambry Variant Classification Scheme 2023. Collection method: clinical testing. Allele origin: germline.
Comment: The c.2767C>T (p.H923Y) alteration is located in exon 22 (coding exon 22) of the NRCAM gene. This alteration results from a C to T substitution at nucleotide position 2767, causing the histidine (H) at amino acid position 923 to be replaced by a tyrosine (Y). Based on data from gnomAD, the T allele has an overall frequency of 0.001% (2/251450) total alleles studied. The highest observed frequency was 0.012% (2/16254) of African alleles. Based on insufficient or conflicting evidence, the clinical significance of this alteration remains unclear.